The following is an entry in ClinVar:

NM_000059.4(BRCA2):c.2503C>A (p.Pro835Thr)

Gene: BRCA2 (BRCA2 DNA repair associated; plus strand). Cytogenetic location: 13q13.1.
Variant type: single nucleotide variant.
Coding change: c.2503C>A on transcript NM_000059.4 (MANE Select); coding-DNA position 2503, C replaced by A.
Protein change: p.Pro835Thr; replaces proline 835 with threonine.
Molecular consequence: missense variant. On other transcripts: non-coding transcript variant (1), intron variant (2).
Genome position (GRCh38, 1-based): chr13:32,336,858, C>A. VCF-style: chr13-32336858-C-A. GRCh37 (hg19) VCF-style: chr13-32910995-C-A.
Other names: c.2503C>A, p.Pro835Thr (NM_001406719.1, NM_001406720.1, NM_001432077.1); c.1909+3471C>A (NM_001406721.1); c.424+5828C>A (NM_001406722.1); short protein forms P835T.
Identifiers: ClinVar variation 3482189 (VCV003482189.1).

ClinVar aggregate classification (germline): Uncertain significance (1 of 4 stars; one submission).

Conditions:
Hereditary cancer-predisposing syndrome. Also called: Tumor predisposition; Neoplastic Syndromes, Hereditary; Hereditary Cancer Syndrome; Hereditary neoplastic syndrome. Identifiers: Orphanet 140162, MedGen C0027672, MeSH D009386, MONDO:0015356.

gnomAD v4.1: 1 of 1,609,300 alleles (0.000062%); no homozygotes.

Submission:

Ambry Genetics
Classification: Uncertain significance for Hereditary cancer-predisposing syndrome. Last evaluated: 2024-11-16. Review status: criteria provided, single submitter. Criteria: Ambry Variant Classification Scheme 2023. Collection method: clinical testing. Allele origin: germline.
Comment: The p.P835T variant (also known as c.2503C>A), located in coding exon 10 of the BRCA2 gene, results from a C to A substitution at nucleotide position 2503. The proline at codon 835 is replaced by threonine, an amino acid with highly similar properties. This amino acid position is conserved. In addition, this alteration is predicted to be tolerated by in silico analysis. Based on the available evidence, the clinical significance of this variant remains unclear.